The following is an entry in ClinVar:

NM_018060.4(IARS2):c.1327+6C>T

Gene: IARS2 (isoleucyl-tRNA synthetase 2, mitochondrial; plus strand). Cytogenetic location: 1q41.
Variant type: single nucleotide variant.
Coding change: c.1327+6C>T on transcript NM_018060.4 (MANE Select); 6 bases into the intron after coding-DNA position 1327, C replaced by T.
Molecular consequence: intron variant.
Genome position (GRCh38, 1-based): chr1:220,107,157, C>T. VCF-style: chr1-220107157-C-T. GRCh37 (hg19) VCF-style: chr1-220280499-C-T.
Identifiers: ClinVar variation 1490665 (VCV001490665.4), dbSNP rs374022663, ClinGen allele CA1401384.

ClinVar aggregate classification (germline): Uncertain significance (1 of 4 stars; one submission).

Allele frequency attached by ClinVar (database versions not stated): TOPMed below 0.00001; ExAC 0.00001; gnomAD 0.00001; gnomAD exomes 0.00001 and 0.00002; ESP Exome Variant Server 0.00008.
gnomAD v4.1: 25 of 1,590,136 alleles (0.0016%); highest among the groups gnomAD compares: Non-Finnish European, 0.0021%; no homozygotes.

Submission:

Labcorp Genetics (formerly Invitae), Labcorp
Classification: Uncertain significance. Last evaluated: 2021-10-27. Review status: criteria provided, single submitter. Criteria: Invitae Variant Classification Sherloc (09022015). Collection method: clinical testing. Allele origin: germline.
Comment: In summary, the available evidence is currently insufficient to determine the role of this variant in disease. Therefore, it has been classified as a Variant of Uncertain Significance. Variants that disrupt the consensus splice site are a relatively common cause of aberrant splicing (PMID: 17576681, 9536098). Algorithms developed to predict the effect of sequence changes on RNA splicing suggest that this variant is not likely to affect RNA splicing. This variant has not been reported in the literature in individuals affected with IARS2-related conditions. This variant is present in population databases (rs374022663, gnomAD 0.003%). This sequence change falls in intron 10 of the IARS2 gene. It does not directly change the encoded amino acid sequence of the IARS2 protein. It affects a nucleotide within the consensus splice site.

Literature cited by the submitters: PubMed 17576681; PubMed 9536098.